The following is an entry in ClinVar:

ClinVar aggregate classification (germline): Likely benign (1 of 4 stars; one submission).

gnomAD v4.1: 8 of 1,570,196 alleles (0.00051%); highest among the groups gnomAD compares: Non-Finnish European, 0.0007%; no homozygotes.

Submission:

CeGaT Center for Human Genetics Tuebingen
Classification: Likely benign. Last evaluated: 2024-10-01. Review status: criteria provided, single submitter. Criteria: CeGaT Center For Human Genetics Tuebingen Variant Classification Criteria Version 2. Collection method: clinical testing. Allele origin: germline. Affected: yes. Observed: 1 variant allele.
Comment: DSCAM: BP4

NM_001389.5(DSCAM):c.3996T>C (p.Ile1332=)

Gene: DSCAM (DS cell adhesion molecule; minus strand). Cytogenetic location: 21q22.2.
Variant type: single nucleotide variant.
Coding change: c.3996T>C on transcript NM_001389.5 (MANE Select); coding-DNA position 3996, T replaced by C.
Protein change: p.Ile1332=; no amino-acid change (isoleucine 1332 retained).
Molecular consequence: synonymous variant. On other transcripts: non-coding transcript variant (1).
Genome position (GRCh38, 1-based): chr21:40,085,738, A>G on the plus strand (T>C on the coding strand, the complement: DSCAM is on the minus strand). VCF-style: chr21-40085738-A-G. GRCh37 (hg19) VCF-style: chr21-41457665-A-G.
Other names: c.3996T>C, p.Ile1332= (NM_001271534.3).
Identifiers: ClinVar variation 3389246 (VCV003389246.14).